The following is an entry in ClinVar:

ClinVar aggregate classification (germline): Uncertain significance (1 of 4 stars; one submission).

Conditions:
Inflammatory bowel disease. Identifiers: Orphanet 104012, MedGen C0021390, MONDO:0005265.

Allele frequency attached by ClinVar (database versions not stated): gnomAD 0.00004 and 0.00007; ExAC 0.00008; ESP Exome Variant Server 0.00008; gnomAD exomes 0.00012.
gnomAD v4.1: 186 of 1,614,054 alleles (0.012%); highest among the groups gnomAD compares: East Asian, 0.34%; 1 homozygote.

Submission:

Labcorp Genetics (formerly Invitae), Labcorp
Classification: Uncertain significance for Inflammatory bowel disease. Last evaluated: 2024-11-08. Review status: criteria provided, single submitter. Criteria: Invitae Variant Classification Sherloc (09022015). Collection method: clinical testing. Allele origin: germline.
Comment: This sequence change replaces arginine, which is basic and polar, with glutamine, which is neutral and polar, at codon 124 of the IL10 protein (p.Arg124Gln). This variant is present in population databases (rs201365412, gnomAD 0.1%). This variant has not been reported in the literature in individuals affected with IL10-related conditions. ClinVar contains an entry for this variant (Variation ID: 1432945). An algorithm developed to predict the effect of missense changes on protein structure and function outputs the following: PolyPhen-2: "Benign". The glutamine amino acid residue is found in multiple mammalian species, which suggests that this missense change does not adversely affect protein function. In summary, the available evidence is currently insufficient to determine the role of this variant in disease. Therefore, it has been classified as a Variant of Uncertain Significance.

NM_000572.3(IL10):c.371G>A (p.Arg124Gln)

Genes: IL10 (interleukin 10; minus strand), IL19 (interleukin 19; plus strand). Cytogenetic location: 1q32.1.
Variant type: single nucleotide variant.
Coding change: c.371G>A on transcript NM_000572.3 (MANE Select); coding-DNA position 371, G replaced by A.
Protein change: p.Arg124Gln; replaces arginine 124 with glutamine.
Molecular consequence: missense variant. On other transcripts: 5 prime UTR variant (1), non-coding transcript variant (1), intron variant (1).
Genome position (GRCh38, 1-based): chr1:206,770,914, C>T on the plus strand (G>A on the coding strand, the complement: IL10 is on the minus strand). VCF-style: chr1-206770914-C-T. GRCh37 (hg19) VCF-style: chr1-206944259-C-T.
Other names: c.-313C>T (NM_153758.5); c.116G>A, p.Arg39Gln (NM_001382624.1); c.-149+84C>T (NM_001393490.1); short protein forms R124Q, R39Q.
Identifiers: ClinVar variation 1432945 (VCV001432945.4), dbSNP rs201365412, ClinGen allele CA1363766.